The following is an entry in ClinVar:

NM_012079.6(DGAT1):c.1139C>T (p.Pro380Leu)

Gene: DGAT1 (diacylglycerol O-acyltransferase 1; minus strand). Cytogenetic location: 8q24.3.
Variant type: single nucleotide variant.
Coding change: c.1139C>T on transcript NM_012079.6 (MANE Select); coding-DNA position 1139, C replaced by T.
Protein change: p.Pro380Leu; replaces proline 380 with leucine.
Molecular consequence: missense variant.
Genome position (GRCh38, 1-based): chr8:144,317,208, G>A on the plus strand (C>T on the coding strand, the complement: DGAT1 is on the minus strand). VCF-style: chr8-144317208-G-A. GRCh37 (hg19) VCF-style: chr8-145540871-G-A.
Other names: short protein forms P380L.
Identifiers: ClinVar variation 1438397 (VCV001438397.5), dbSNP rs146441969, ClinGen allele CA4936657.

ClinVar aggregate classification (germline): Uncertain significance (1 of 4 stars; one submission).

Allele frequency attached by ClinVar (database versions not stated): gnomAD exomes below 0.00001; ExAC 0.00001; ESP Exome Variant Server 0.00008.

Submission:

Labcorp Genetics (formerly Invitae), Labcorp
Classification: Uncertain significance. Last evaluated: 2021-09-24. Review status: criteria provided, single submitter. Criteria: Invitae Variant Classification Sherloc (09022015). Collection method: clinical testing. Allele origin: germline.
Comment: This sequence change replaces proline with leucine at codon 380 of the DGAT1 protein (p.Pro380Leu). The proline residue is highly conserved and there is a moderate physicochemical difference between proline and leucine. This variant is present in population databases (rs146441969, ExAC 0.01%). This variant has not been reported in the literature in individuals with DGAT1-related conditions. Algorithms developed to predict the effect of missense changes on protein structure and function (SIFT, PolyPhen-2, Align-GVGD) all suggest that this variant is likely to be disruptive, but these predictions have not been confirmed by published functional studies and their clinical significance is uncertain. In summary, the available evidence is currently insufficient to determine the role of this variant in disease. Therefore, it has been classified as a Variant of Uncertain Significance.